The following is an entry in ClinVar:

NM_000257.4(MYH7):c.1481T>A (p.Phe494Tyr)

Gene: MYH7 (myosin heavy chain 7; minus strand). Cytogenetic location: 14q11.2.
Variant type: single nucleotide variant.
Coding change: c.1481T>A on transcript NM_000257.4 (MANE Select); coding-DNA position 1481, T replaced by A.
Protein change: p.Phe494Tyr; replaces phenylalanine 494 with tyrosine.
Molecular consequence: missense variant.
Genome position (GRCh38, 1-based): chr14:23,428,597, A>T on the plus strand (T>A on the coding strand, the complement: MYH7 is on the minus strand). VCF-style: chr14-23428597-A-T. GRCh37 (hg19) VCF-style: chr14-23897806-A-T.
Other names: short protein forms F494Y.
Identifiers: ClinVar variation 454342 (VCV000454342.10), dbSNP rs1555338257, ClinGen allele CA389050501.

ClinVar aggregate classification (germline): Uncertain significance (1 of 4 stars; one submission).

Conditions:
MYH7-related disorder. Also called: MYH7-related disorders; MYH7-related condition; MYH7-related disease.
Hypertrophic cardiomyopathy. Also called: HYPERTROPHIC MYOCARDIOPATHY. Identifiers: Orphanet 217569, MedGen C0007194, MeSH D002312, MONDO:0005045, HP:0001639.

Submission:

Labcorp Genetics (formerly Invitae), Labcorp
Classification: Uncertain significance for Hypertrophic cardiomyopathy. Last evaluated: 2017-04-05. Review status: criteria provided, single submitter. Criteria: Invitae Variant Classification Sherloc (09022015). Collection method: clinical testing. Allele origin: germline.
Comment: In summary, this variant is a novel missense change with uncertain impact on protein function. While it is located in a region where multiple missense variants have been associated with HCM, additional genetic and/or functional evidence is needed to classify this variant conclusively. Therefore, it has been classified as a Variant of Uncertain Significance. A computational algorithm designed to assess the pathogenicity of variants in MYH7 with regard to hypertrophic cardiomyopathy predicted this sequence change to be deleterious. The algorithm has a sensitivity of 94% and a specificity of 89% (PMID: 21310275). This variant is not present in population databases (ExAC no frequency) and has not been reported in the literature in individuals with a MYH7-related disease. This variant is found within a region of MYH7 between codons 181 and 937 that contains the majority of the myosin head domain. Missense variants in this region have been shown to be significantly overrepresented in individuals with hypertrophic cardiomyopathy (PMID: 27532257). This sequence change replaces phenylalanine with tyrosine at codon 494 of the MYH7 protein (p.Phe494Tyr). The phenylalanine residue is highly conserved and there is a small physicochemical difference between phenylalanine and tyrosine.

Literature cited by the submitters: PubMed 21310275 (cited by Labcorp Genetics (formerly Invitae), Labcorp); PubMed 27532257 (cited by Labcorp Genetics (formerly Invitae), Labcorp).